The following is an entry in ClinVar:

ClinVar aggregate classification (germline): Uncertain significance (1 of 4 stars; one submission).

Conditions:
Familial intrahepatic cholestasis. Identifiers: Orphanet 284385, MedGen CN296401, MONDO:0017290.

Submission:

Genomenon, Inc
Classification: Uncertain significance for Familial intrahepatic cholestasis. Last evaluated: 2026-04-14. Review status: criteria provided, single submitter. Criteria: Genomenon Sequence Variant Interpretation Standards - Updated. Collection method: curation. Allele origin: germline. Affected: yes.
Comment: ABCB4 p.Ser1116Tyr (c.3347C>A) is a missense variant that changes the amino acid at residue 1116 from Serine to Tyrosine. This variant has been observed in at least one proband with an ABCB4-related disorder (PMID:37566928). It is absent or not present at a significant frequency in gnomAD. In silico models predict that this variant is possibly or probably damaging. In conclusion, we classify ABCB4 p.Ser1116Tyr (c.3347C>A) as a variant of uncertain significance.

Literature cited by the submitters: PubMed 37566928.

NM_000443.4(ABCB4):c.3347C>A (p.Ser1116Tyr)

Gene: ABCB4 (ATP binding cassette subfamily B member 4; minus strand). Cytogenetic location: 7q21.12.
Variant type: single nucleotide variant.
Coding change: c.3347C>A on transcript NM_000443.4 (MANE Select); coding-DNA position 3347, C replaced by A.
Protein change: p.Ser1116Tyr; replaces serine 1116 with tyrosine.
Molecular consequence: missense variant.
Genome position (GRCh38, 1-based): chr7:87,406,427, G>T on the plus strand (C>A on the coding strand, the complement: ABCB4 is on the minus strand). VCF-style: chr7-87406427-G-T. GRCh37 (hg19) VCF-style: chr7-87035743-G-T.
Other names: c.3368C>A, p.Ser1123Tyr (NM_018849.3); c.3206C>A, p.Ser1069Tyr (NM_018850.3); short protein forms S1069Y, S1116Y, S1123Y.
Identifiers: ClinVar variation 4846613 (VCV004846613.1).